The following is an entry in ClinVar:

ClinVar aggregate classification (germline): Uncertain significance (1 of 4 stars; one submission).

Allele frequency attached by ClinVar (database versions not stated): gnomAD exomes 0.00001; TOPMed 0.00001.

Submission:

Labcorp Genetics (formerly Invitae), Labcorp
Classification: Uncertain significance. Last evaluated: 2023-04-09. Review status: criteria provided, single submitter. Criteria: Invitae Variant Classification Sherloc (09022015). Collection method: clinical testing. Allele origin: germline.
Comment: In summary, the available evidence is currently insufficient to determine the role of this variant in disease. Therefore, it has been classified as a Variant of Uncertain Significance. An algorithm developed to predict the effect of missense changes on protein structure and function (PolyPhen-2) suggests that this variant is likely to be tolerated. This variant has not been reported in the literature in individuals affected with MAST1-related conditions. This variant is not present in population databases (gnomAD no frequency). This sequence change replaces proline, which is neutral and non-polar, with serine, which is neutral and polar, at codon 336 of the MAST1 protein (p.Pro336Ser).

NM_014975.3(MAST1):c.1006C>T (p.Pro336Ser)

Gene: MAST1 (microtubule associated serine/threonine kinase 1; plus strand). Cytogenetic location: 19p13.13.
Variant type: single nucleotide variant.
Coding change: c.1006C>T on transcript NM_014975.3 (MANE Select); coding-DNA position 1006, C replaced by T.
Protein change: p.Pro336Ser; replaces proline 336 with serine.
Molecular consequence: missense variant.
Genome position (GRCh38, 1-based): chr19:12,852,244, C>T. VCF-style: chr19-12852244-C-T. GRCh37 (hg19) VCF-style: chr19-12963058-C-T.
Other names: short protein forms P336S.
Identifiers: ClinVar variation 2877625 (VCV002877625.3), dbSNP rs1969970547, ClinGen allele CA404265389.